The following is an entry in ClinVar:

ClinVar aggregate classification (germline): Pathogenic (1 of 4 stars; one submission).

Submission:

Labcorp Genetics (formerly Invitae), Labcorp
Classification: Pathogenic. Last evaluated: 2022-07-13. Review status: criteria provided, single submitter. Criteria: Invitae Variant Classification Sherloc (09022015). Collection method: clinical testing. Allele origin: germline.
Comment: For these reasons, this variant has been classified as Pathogenic. This variant has not been reported in the literature in individuals affected with EYS-related conditions. This variant is a gross deletion of the genomic region encompassing exon(s) 8-12 of the EYS gene. This deletion is out-of-frame, and is expected to create a premature termination codon and result in an absent or disrupted protein product. Loss-of-function variants in EYS are known to be pathogenic (PMID: 18836446, 20333770).

Literature cited by the submitters: PubMed 18836446; PubMed 20333770.

NC_000006.12:g.(?_65295853)_(65384510_?)del

Gene: EYS (eyes shut homolog; minus strand). Cytogenetic location: 6q12.
Variant type: Deletion.
Identifiers: ClinVar variation 833149 (VCV000833149.6).